The following is an entry in ClinVar:

ClinVar aggregate classification (germline): Benign/Likely benign. Review status: criteria provided, multiple submitters, no conflicts (2 of 4 stars). 11 submissions from 10 submitters: Benign (6); Likely benign (3). 2 of the submissions do not count toward it. Last evaluated 2026-02-03.

Conditions:
Early-infantile DEE. Also called: Ohtahara syndrome; Early infantile epileptic encephalopathy; Early infantile epileptic encephalopathy with suppression bursts. Identifiers: Orphanet 1934, MedGen C0393706, MONDO:0800491.
Migraine, familial hemiplegic, 3. Identifiers: Orphanet 569, MedGen C1864987, MONDO:0012320, OMIM 609634.
Generalized epilepsy with febrile seizures plus, type 2 (GEFSP2). Also called: GEFS+, TYPE 2. Identifiers: Orphanet 36387, MedGen C1858673, MONDO:0011461, OMIM 604403.

Allele frequency attached by ClinVar (database versions not stated): gnomAD exomes 0.00501 and 0.00187; ExAC 0.00682; gnomAD 0.01888 and 0.02030; TOPMed 0.02193; ESP Exome Variant Server 0.02391; 1000 Genomes Project 0.02396; 1000 Genomes Project 30x 0.02436.
gnomAD v4.1: 5,717 of 1,613,986 alleles (0.35%); highest among the groups gnomAD compares: African/African-American, 6.6%; 190 homozygotes.

Submissions (11):

Labcorp Genetics (formerly Invitae), Labcorp
Classification: Benign for Early-infantile DEE. Last evaluated: 2026-02-03. Review status: criteria provided, single submitter. Criteria: Invitae Variant Classification Sherloc (09022015). Collection method: clinical testing. Allele origin: germline.

Mayo Clinic Laboratories, Mayo Clinic
Classification: Benign. Last evaluated: 2019-06-04. Review status: criteria provided, single submitter. Criteria: ACMG Guidelines, 2015. Collection method: clinical testing. Allele origin: germline. Observed: 10 variant alleles.

Illumina Laboratory Services, Illumina
Classification: Likely benign for Migraine, familial hemiplegic, 3. Last evaluated: 2017-04-27. Review status: criteria provided, single submitter. Criteria: ICSL Variant Classification Criteria 13 December 2019. Collection method: clinical testing. Allele origin: germline.
Comment: This variant was observed as part of a predisposition screen in an ostensibly healthy population. A literature search was performed for the gene, cDNA change, and amino acid change (where applicable). No publications were found based on this search. Allele frequency data from public databases allowed determination this variant is unlikely to cause disease. Therefore, this variant is classified as likely benign.

Illumina Laboratory Services, Illumina
Classification: Likely benign for Generalized epilepsy with febrile seizures plus, type 2. Last evaluated: 2017-04-27. Review status: criteria provided, single submitter. Criteria: ICSL Variant Classification Criteria 13 December 2019. Collection method: clinical testing. Allele origin: germline.
Comment: the same text as in the submission from Illumina Laboratory Services, Illumina above.

Eurofins Ntd Llc (ga)
Classification: Benign. Last evaluated: 2016-03-16. Review status: criteria provided, single submitter. Criteria: EGL Classification Definitions 2015. Collection method: clinical testing. Allele origin: germline. Observed: 6 variant alleles, 6 heterozygotes.

Genetic Services Laboratory, University of Chicago
Classification: Benign for AllHighlyPenetrant. Last evaluated: 2012-09-07. Review status: criteria provided, single submitter. Criteria: ACMG Guidelines, 2007. Collection method: clinical testing. Allele origin: germline. Inheritance: Autosomal dominant inheritance.

GeneDx
Classification: Benign. Last evaluated: 2012-05-14. Review status: criteria provided, single submitter. Criteria: GeneDx Variant Classification (06012015). Collection method: clinical testing. Allele origin: germline. Affected: yes.
Comment: This variant is considered likely benign or benign based on one or more of the following criteria: it is a conservative change, it occurs at a poorly conserved position in the protein, it is predicted to be benign by multiple in silico algorithms, and/or has population frequency not consistent with disease.

Breakthrough Genomics
Classification: Likely benign. Review status: criteria provided, single submitter. Criteria: ACMG Guidelines, 2015. Collection method: not provided. Allele origin: germline. Inheritance: Autosomal dominant inheritance. Affected: yes.

PreventionGenetics, part of Exact Sciences
Classification: Benign. Review status: criteria provided, single submitter. Criteria: ACMG Guidelines, 2015. Collection method: clinical testing. Allele origin: germline.

Genome Diagnostics Laboratory, University Medical Center Utrecht
Classification: Benign. Review status: no assertion criteria provided. Collection method: clinical testing. Allele origin: germline. Affected: yes. Study: VKGL Data-share Consensus. Not counted in ClinVar's aggregate classification.

Joint Genome Diagnostic Labs from Nijmegen and Maastricht, Radboudumc and MUMC+
Classification: Benign. Review status: no assertion criteria provided. Collection method: clinical testing. Allele origin: germline. Affected: yes. Study: VKGL Data-share Consensus. Not counted in ClinVar's aggregate classification.

NM_001165963.4(SCN1A):c.1662+9C>A

Gene: SCN1A (sodium voltage-gated channel alpha subunit 1; minus strand). Cytogenetic location: 2q24.3.
Variant type: single nucleotide variant.
Coding change: c.1662+9C>A on transcript NM_001165963.4 (MANE Select); 9 bases into the intron after coding-DNA position 1662, C replaced by A.
Molecular consequence: intron variant.
Genome position (GRCh38, 1-based): chr2:166,045,034, G>T on the plus strand (C>A on the coding strand, the complement: SCN1A is on the minus strand). VCF-style: chr2-166045034-G-T. GRCh37 (hg19) VCF-style: chr2-166901544-G-T.
Other names: p.?; c.1662+9C>A (NM_001165963.3, NM_001353949.2, NM_001353958.2 and 8 more transcripts); c.1659+9C>A (NM_001353955.2, NM_001353960.2, NM_001353954.2); c.-764+9C>A (NM_001353961.2).
Identifiers: ClinVar variation 93633 (VCV000093633.30), dbSNP rs7559148, ClinGen allele CA285446.